The following is an entry in ClinVar:

NM_000070.3(CAPN3):c.913G>C (p.Asp305His)

Gene: CAPN3 (calpain 3; plus strand). Cytogenetic location: 15q15.1.
Variant type: single nucleotide variant.
Coding change: c.913G>C on transcript NM_000070.3 (MANE Select); coding-DNA position 913, G replaced by C.
Protein change: p.Asp305His; replaces aspartic acid 305 with histidine.
Molecular consequence: missense variant. On other transcripts: intron variant (1).
Genome position (GRCh38, 1-based): chr15:42,390,064, G>C. VCF-style: chr15-42390064-G-C. GRCh37 (hg19) VCF-style: chr15-42682262-G-C.
Other names: c.913G>C, p.Asp305His (NM_024344.2); c.801+968G>C (NM_173087.2); short protein forms D305H.
Identifiers: ClinVar variation 1400393 (VCV001400393.6), dbSNP rs753780627, ClinGen allele CA391998662.

ClinVar aggregate classification (germline): Uncertain significance (1 of 4 stars; one submission).

Conditions:
Autosomal recessive limb-girdle muscular dystrophy type 2A (LGMDR1). Also called: MUSCULAR DYSTROPHY, PELVOFEMORAL; Limb-girdle muscular dystrophy, type 2A; Muscular dystrophy, limb-girdle, type 2A, Amish; Calpainopathy; LEYDEN-MOEBIUS MUSCULAR DYSTROPHY. Identifiers: Orphanet 267, MedGen C1869123, MONDO:0009675, OMIM 253600. Disease mechanism: loss of function.

gnomAD v4.1: 1 of 1,614,044 alleles (0.000062%); highest among the groups gnomAD compares: African/African-American, 0.0013%; no homozygotes.

Submission:

Labcorp Genetics (formerly Invitae), Labcorp
Classification: Uncertain significance for Autosomal recessive limb-girdle muscular dystrophy type 2A. Last evaluated: 2022-07-19. Review status: criteria provided, single submitter. Criteria: Invitae Variant Classification Sherloc (09022015). Collection method: clinical testing. Allele origin: germline.
Comment: In summary, the available evidence is currently insufficient to determine the role of this variant in disease. Therefore, it has been classified as a Variant of Uncertain Significance. Algorithms developed to predict the effect of missense changes on protein structure and function are either unavailable or do not agree on the potential impact of this missense change (SIFT: "Tolerated"; PolyPhen-2: "Possibly Damaging"; Align-GVGD: "Class C0"). ClinVar contains an entry for this variant (Variation ID: 1400393). This variant has not been reported in the literature in individuals affected with CAPN3-related conditions. This variant is not present in population databases (gnomAD no frequency). This sequence change replaces aspartic acid, which is acidic and polar, with histidine, which is basic and polar, at codon 305 of the CAPN3 protein (p.Asp305His).